The following is an entry in ClinVar:

ClinVar aggregate classification (germline): Uncertain significance (1 of 4 stars; one submission).

Conditions:
Tay-Sachs disease (TSD). Also called: GM2 gangliosidosis, type 1; Hexosaminidase alpha-subunit deficiency (variant B); Sphingolipidosis, Tay-Sachs; Hexosaminidase A Deficiency; HEXA DEFICIENCY; HEXA Disorders. Identifiers: Orphanet 845, MedGen C0039373, MONDO:0010100, OMIM 272800.

Submission:

Labcorp Genetics (formerly Invitae), Labcorp
Classification: Uncertain significance for Tay-Sachs disease. Last evaluated: 2025-07-31. Review status: criteria provided, single submitter. Criteria: Invitae Variant Classification Sherloc (09022015). Collection method: clinical testing. Allele origin: germline.
Comment: This sequence change replaces valine, which is neutral and non-polar, with phenylalanine, which is neutral and non-polar, at codon 60 of the HEXA protein (p.Val60Phe). This variant is not present in population databases (gnomAD no frequency). This variant has not been reported in the literature in individuals affected with HEXA-related conditions. ClinVar contains an entry for this variant (Variation ID: 1720246). Invitae Evidence Modeling of protein sequence and biophysical properties (such as structural, functional, and spatial information, amino acid conservation, physicochemical variation, residue mobility, and thermodynamic stability) has been performed for this missense variant. However, the output from this modeling did not meet the statistical confidence thresholds required to predict the impact of this variant on HEXA protein function. In summary, the available evidence is currently insufficient to determine the role of this variant in disease. Therefore, it has been classified as a Variant of Uncertain Significance.

NM_000520.6(HEXA):c.178G>T (p.Val60Phe)

Gene: HEXA (hexosaminidase subunit alpha; minus strand). Cytogenetic location: 15q23.
Variant type: single nucleotide variant.
Coding change: c.178G>T on transcript NM_000520.6 (MANE Select); coding-DNA position 178, G replaced by T.
Protein change: p.Val60Phe; replaces valine 60 with phenylalanine.
Molecular consequence: missense variant. On other transcripts: non-coding transcript variant (1).
Genome position (GRCh38, 1-based): chr15:72,375,795, C>A on the plus strand (G>T on the coding strand, the complement: HEXA is on the minus strand). VCF-style: chr15-72375795-C-A. GRCh37 (hg19) VCF-style: chr15-72668136-C-A.
Other names: c.178G>T, p.Val60Phe (NM_001318825.2); short protein forms V60F.
Identifiers: ClinVar variation 1720246 (VCV001720246.5), dbSNP rs2542581637, ClinGen allele CA393070276.